The following is an entry in ClinVar:

ClinVar aggregate classification (germline): Uncertain significance (1 of 4 stars; one submission).

Allele frequency attached by ClinVar (database versions not stated): TOPMed below 0.00001; gnomAD 0.00001.
gnomAD v4.1: 1 of 1,612,686 alleles (0.000062%); highest among the groups gnomAD compares: Non-Finnish European, 0.000085%; no homozygotes.

Submission:

Labcorp Genetics (formerly Invitae), Labcorp
Classification: Uncertain significance. Last evaluated: 2022-06-26. Review status: criteria provided, single submitter. Criteria: Invitae Variant Classification Sherloc (09022015). Collection method: clinical testing. Allele origin: germline.
Comment: This sequence change replaces glycine, which is neutral and non-polar, with arginine, which is basic and polar, at codon 298 of the MMP13 protein (p.Gly298Arg). This variant is not present in population databases (gnomAD no frequency). This variant has not been reported in the literature in individuals affected with MMP13-related conditions. Algorithms developed to predict the effect of missense changes on protein structure and function (SIFT, PolyPhen-2, Align-GVGD) all suggest that this variant is likely to be disruptive. In summary, the available evidence is currently insufficient to determine the role of this variant in disease. Therefore, it has been classified as a Variant of Uncertain Significance.

NM_002427.4(MMP13):c.892G>A (p.Gly298Arg)

Gene: MMP13 (matrix metallopeptidase 13; minus strand). Cytogenetic location: 11q22.2.
Variant type: single nucleotide variant.
Coding change: c.892G>A on transcript NM_002427.4 (MANE Select); coding-DNA position 892, G replaced by A.
Protein change: p.Gly298Arg; replaces glycine 298 with arginine.
Molecular consequence: missense variant.
Genome position (GRCh38, 1-based): chr11:102,950,135, C>T on the plus strand (G>A on the coding strand, the complement: MMP13 is on the minus strand). VCF-style: chr11-102950135-C-T. GRCh37 (hg19) VCF-style: chr11-102820864-C-T.
Other names: short protein forms G298R.
Identifiers: ClinVar variation 1921460 (VCV001921460.5), dbSNP rs1451869364, ClinGen allele CA382228212.